The following is an entry in ClinVar:

NM_001793.6(CDH3):c.1551G>A (p.Met517Ile)

Gene: CDH3 (cadherin 3; plus strand). Cytogenetic location: 16q22.1.
Variant type: single nucleotide variant.
Coding change: c.1551G>A on transcript NM_001793.6 (MANE Select); coding-DNA position 1551, G replaced by A.
Protein change: p.Met517Ile; replaces methionine 517 with isoleucine.
Molecular consequence: missense variant.
Genome position (GRCh38, 1-based): chr16:68,685,331, G>A. VCF-style: chr16-68685331-G-A. GRCh37 (hg19) VCF-style: chr16-68719234-G-A.
Other names: c.1551G>A, p.Met517Ile (NM_001317195.3); c.1386G>A, p.Met462Ile (NM_001317196.2); short protein forms M462I, M517I.
Identifiers: ClinVar variation 1040370 (VCV001040370.7), dbSNP rs372407397, ClinGen allele CA8129388.

ClinVar aggregate classification (germline): Uncertain significance. Review status: criteria provided, multiple submitters, no conflicts (2 of 4 stars). 2 submissions from 2 submitters: Uncertain significance (2). Last evaluated 2022-05-23.

Allele frequency attached by ClinVar (database versions not stated): gnomAD 0.00001; TOPMed 0.00001; ExAC 0.00002; gnomAD exomes 0.00002 and 0.00003; ESP Exome Variant Server 0.00008.
gnomAD v4.1: 47 of 1,613,994 alleles (0.0029%); highest among the groups gnomAD compares: Non-Finnish European, 0.0038%; no homozygotes.

Submissions (2):

Blueprint Genetics
Classification: Uncertain significance. Last evaluated: 2022-05-23. Review status: criteria provided, single submitter. Criteria: ACMG Guidelines, 2015. Collection method: clinical testing. Allele origin: germline.

Labcorp Genetics (formerly Invitae), Labcorp
Classification: Uncertain significance. Last evaluated: 2022-02-24. Review status: criteria provided, single submitter. Criteria: Invitae Variant Classification Sherloc (09022015). Collection method: clinical testing. Allele origin: germline.
Comment: This sequence change replaces methionine, which is neutral and non-polar, with isoleucine, which is neutral and non-polar, at codon 517 of the CDH3 protein (p.Met517Ile). This variant is present in population databases (rs372407397, gnomAD 0.004%). This variant has not been reported in the literature in individuals affected with CDH3-related conditions. ClinVar contains an entry for this variant (Variation ID: 1040370). Algorithms developed to predict the effect of missense changes on protein structure and function output the following: SIFT: "Not Available"; PolyPhen-2: "Benign"; Align-GVGD: "Not Available". The isoleucine amino acid residue is found in multiple mammalian species, which suggests that this missense change does not adversely affect protein function. In summary, the available evidence is currently insufficient to determine the role of this variant in disease. Therefore, it has been classified as a Variant of Uncertain Significance.